The following is an entry in ClinVar:

NM_004453.4(ETFDH):c.521T>C (p.Val174Ala)

Gene: ETFDH (electron transfer flavoprotein dehydrogenase; plus strand). Cytogenetic location: 4q32.1.
Variant type: single nucleotide variant.
Coding change: c.521T>C on transcript NM_004453.4 (MANE Select); coding-DNA position 521, T replaced by C.
Protein change: p.Val174Ala; replaces valine 174 with alanine.
Molecular consequence: missense variant.
Genome position (GRCh38, 1-based): chr4:158,685,134, T>C. VCF-style: chr4-158685134-T-C. GRCh37 (hg19) VCF-style: chr4-159606286-T-C.
Other names: c.521T>C (NM_004453.3); c.380T>C, p.Val127Ala (NM_001281737.2); c.338T>C, p.Val113Ala (NM_001281738.1); short protein forms V113A, V127A, V174A.
Identifiers: ClinVar variation 3241435 (VCV003241435.2), dbSNP rs1244950045.

ClinVar aggregate classification (germline): Likely pathogenic. Review status: criteria provided, multiple submitters, no conflicts (2 of 4 stars). 2 submissions from 2 submitters: Likely pathogenic (2). Last evaluated 2025-06-06.

Conditions:
Multiple acyl-CoA dehydrogenase deficiency (MADD). Also called: Glutaric acidemia type II; GA 2; Glutaric aciduria, type 2; ETHYLMALONIC-ADIPICACIDURIA; GA II; Glutaric Acidemia type 2. Identifiers: Orphanet 26791, MedGen C0268596, MONDO:0009282, OMIM 231680.
Glutaric acidemia type 2C.

Submissions (2):

Natera, Inc.
Classification: Likely pathogenic for Glutaric acidemia type 2C. Last evaluated: 2025-06-06. Review status: criteria provided, single submitter. Criteria: Natera Variant Classification Schema (03/2026). Collection method: clinical testing. Allele origin: germline.
Comment: The c.521T>C variant in ETFDH is a missense variant predicted to cause substitution of valine to alanine at amino acid 174. This variant is rare in the general population with a frequency below the threshold expected for the associated phenotype(s). This variant has been observed in one or more individuals affected with the associated recessive disease, as either homozygous or compound heterozygous with a second variant (PMID: 35309592, 30193751). This variant has been identified in one or more affected individuals with a phenotype highly consistent with the associated gene (PMID: 35309592, 30193751). Computational prediction algorithms indicate this variant is likely to affect gene or protein function. Given the available evidence, this variant is classified as Likely Pathogenic.

Baylor Genetics
Classification: Likely pathogenic for Multiple acyl-CoA dehydrogenase deficiency. Last evaluated: 2023-12-02. Review status: criteria provided, single submitter. Criteria: ACMG Guidelines, 2015. Collection method: clinical testing. Allele origin: unknown.

Literature cited by the submitters: PubMed 35309592 (cited by Natera, Inc.); PubMed 30193751 (cited by Natera, Inc.).